The following is an entry in ClinVar:

NM_000093.5(COL5A1):c.4609-278G>C

Genes: COL5A1 (collagen type V alpha 1 chain; plus strand), LOC101448202 (uncharacterized LOC101448202; minus strand). Cytogenetic location: 9q34.3.
Variant type: single nucleotide variant.
Coding change: c.4609-278G>C on transcript NM_000093.5 (MANE Select); 278 bases into the intron before coding-DNA position 4609, G replaced by C.
Molecular consequence: intron variant.
Genome position (GRCh38, 1-based): chr9:134,822,720, G>C. VCF-style: chr9-134822720-G-C. GRCh37 (hg19) VCF-style: chr9-137714566-G-C.
Other names: c.4609-278G>C (NM_001278074.1).
Identifiers: ClinVar variation 683397 (VCV000683397.1), dbSNP rs35328624, ClinGen allele CA12975201.
Genomic context (GRCh38, chr9:134,822,720, plus strand): 5'-AGGGCTGGGGGGTGCATTCCATCAGCCCCTTCTGAGCCAGGACATGCTCTTTTCCGCTGC[G>C]CCCCCCCCGCGGCTGTCTGAGCTGGGGTTTCCTAGCCAGGGTGGGTGGTAGGCTGGCCGG-3'

ClinVar aggregate classification (germline): Benign (1 of 4 stars; one submission).

Allele frequency attached by ClinVar (database versions not stated): gnomAD 0.54579; TOPMed 0.56391 and 0.56472; 1000 Genomes Project 0.63179.
gnomAD v4.1: 80,117 of 140,816 alleles (57%); highest among the groups gnomAD compares: East Asian, 71%; 22,500 homozygotes.

Submission:

GeneDx
Classification: Benign. Last evaluated: 2018-06-18. Review status: criteria provided, single submitter. Criteria: GeneDx Variant Classification (06012015). Collection method: clinical testing. Allele origin: germline. Affected: yes.
Comment: This variant is considered likely benign or benign based on one or more of the following criteria: it is a conservative change, it occurs at a poorly conserved position in the protein, it is predicted to be benign by multiple in silico algorithms, and/or has population frequency not consistent with disease.